The following is an entry in ClinVar:

ClinVar aggregate classification (germline): Uncertain significance (1 of 4 stars; one submission).

Conditions:
Long QT syndrome (LQTS). Identifiers: MedGen C0023976, MeSH D008133, MONDO:0002442. Disease mechanism: loss of function. Inheritance: Various modes of inheritance.

gnomAD v4.1: 1 of 1,576,784 alleles (0.000063%); highest among the groups gnomAD compares: East Asian, 0.0022%; no homozygotes.

Submission:

Labcorp Genetics (formerly Invitae), Labcorp
Classification: Uncertain significance for Long QT syndrome. Last evaluated: 2025-08-09. Review status: criteria provided, single submitter. Criteria: Invitae Variant Classification Sherloc (09022015). Collection method: clinical testing. Allele origin: germline.
Comment: This sequence change affects a donor splice site in intron 8 of the AKAP9 gene. It is expected to disrupt RNA splicing. Variants that disrupt the donor or acceptor splice site typically lead to a loss of protein function (PMID: 16199547), however the current clinical and genetic evidence is not sufficient to establish whether loss-of-function variants in AKAP9 cause disease. This variant is present in population databases (no rsID available, gnomAD 0.006%). This variant has not been reported in the literature in individuals affected with AKAP9-related conditions. ClinVar contains an entry for this variant (Variation ID: 3679737). Algorithms developed to predict the effect of sequence changes on RNA splicing suggest that this variant may disrupt the consensus splice site. In summary, the available evidence is currently insufficient to determine the role of this variant in disease. Therefore, it has been classified as a Variant of Uncertain Significance.

Literature cited by the submitters: PubMed 16199547.

NM_005751.5(AKAP9):c.3318+1G>A

Gene: AKAP9 (A-kinase anchoring protein 9; plus strand). Cytogenetic location: 7q21.2.
Variant type: single nucleotide variant.
Coding change: c.3318+1G>A on transcript NM_005751.5 (MANE Select); the canonical splice donor site of the intron after coding-DNA position 3318, G replaced by A.
Molecular consequence: splice donor variant.
Genome position (GRCh38, 1-based): chr7:92,003,236, G>A. VCF-style: chr7-92003236-G-A. GRCh37 (hg19) VCF-style: chr7-91632550-G-A.
Other names: c.3318+1G>A (NM_147185.3).
Identifiers: ClinVar variation 3679737 (VCV003679737.2).